The following is an entry in ClinVar:

GRCh38/hg38 1p36.21-36.12(chr1:15385267-20980349)x1

Genes: ACTL8 (actin like 8; plus strand), AGMAT (agmatinase (putative); minus strand), AKR7A2 (aldo-keto reductase family 7 member A2; minus strand), AKR7A3 (aldo-keto reductase family 7 member A3; minus strand), AKR7L (aldo-keto reductase family 7 like (gene/pseudogene); minus strand) and 301 more. Cytogenetic location: 1p36.21-36.12.
Variant type: copy number loss.
Change: copy number 1 (one copy instead of two) of chr1:15,385,267-20,980,349 (5.60 Mb, GRCh38 coordinates, 1-based), cytogenetic band 1p36.21-36.12.
Identifiers: ClinVar variation 57443 (VCV000057443.1).

ClinVar aggregate classification (germline): Pathogenic (1 of 4 stars; one submission).

Submission:

ISCA site 4
Classification: Pathogenic. Last evaluated: 2011-08-12. Review status: criteria provided, single submitter. Criteria: Kaminsky et al. (Genet Med. 2011). Collection method: clinical testing. Allele origin: unknown. Affected: yes. Observed: 1 variant allele.
Comment: Copy number variation identified through the course of routine clinical cytogenomic testing in postnatal populations. Clinical assertions have been curated as described in Kaminsky et al. 2011.